The following is an entry in ClinVar:

ClinVar aggregate classification (germline): Uncertain significance (1 of 4 stars; one submission).

Conditions:
Inborn genetic diseases. Identifiers: MedGen C0950123, MeSH D030342.

gnomAD v4.1: 1 of 1,614,130 alleles (0.000062%); highest among the groups gnomAD compares: Non-Finnish European, 0.000085%; no homozygotes.

Submission:

Ambry Genetics
Classification: Uncertain significance for Inborn genetic diseases. Last evaluated: 2024-12-01. Review status: criteria provided, single submitter. Criteria: Ambry Variant Classification Scheme 2023. Collection method: clinical testing. Allele origin: germline.
Comment: The p.S555C variant (also known as c.1664C>G), located in coding exon 12 of the BMPR2 gene, results from a C to G substitution at nucleotide position 1664. The serine at codon 555 is replaced by cysteine, an amino acid with dissimilar properties. This amino acid position is conserved. In addition, the in silico prediction for this alteration is inconclusive. Based on the available evidence, the clinical significance of this variant remains unclear.

NM_001204.7(BMPR2):c.1664C>G (p.Ser555Cys)

Gene: BMPR2 (bone morphogenetic protein receptor type 2; plus strand). Cytogenetic location: 2q33.2.
Variant type: single nucleotide variant.
Coding change: c.1664C>G on transcript NM_001204.7 (MANE Select); coding-DNA position 1664, C replaced by G.
Protein change: p.Ser555Cys; replaces serine 555 with cysteine.
Molecular consequence: missense variant.
Genome position (GRCh38, 1-based): chr2:202,555,329, C>G. VCF-style: chr2-202555329-C-G. GRCh37 (hg19) VCF-style: chr2-203420052-C-G.
Other names: short protein forms S555C.
Identifiers: ClinVar variation 3481250 (VCV003481250.1).